The following is an entry in ClinVar:

ClinVar aggregate classification (germline): Likely benign. Review status: criteria provided, multiple submitters, no conflicts (2 of 4 stars). 2 submissions from 2 submitters: Likely benign (2). Last evaluated 2025-07-31.

Conditions:
Familial adenomatous polyposis 1 (FAP1). Also called: FAMILIAL ADENOMATOUS POLYPOSIS 1, ATTENUATED; POLYPOSIS, ADENOMATOUS INTESTINAL. Identifiers: MedGen C2713442, MONDO:0021056, OMIM 175100. Disease mechanism: loss of function.

Allele frequency attached by ClinVar (database versions not stated): gnomAD exomes below 0.00001; ExAC 0.00001; TOPMed 0.00001; gnomAD 0.00002; ESP Exome Variant Server 0.00008.
gnomAD v4.1: 5 of 1,605,868 alleles (0.00031%); highest among the groups gnomAD compares: African/African-American, 0.0054%; no homozygotes.

Submissions (2):

Labcorp Genetics (formerly Invitae), Labcorp
Classification: Likely benign for Familial adenomatous polyposis 1. Last evaluated: 2025-07-31. Review status: criteria provided, single submitter. Criteria: Invitae Variant Classification Sherloc (09022015). Collection method: clinical testing. Allele origin: germline.

Myriad Genetics, Inc.
Classification: Likely benign for Familial adenomatous polyposis 1. Last evaluated: 2024-02-29. Review status: criteria provided, single submitter. Criteria: Myriad Autosomal Dominant, Autosomal Recessive and X-Linked Classification Criteria (2023). Collection method: clinical testing. Allele origin: unknown.
Comment: This variant is considered likely benign. This variant is intronic and is not expected to impact mRNA splicing.

NM_000038.6(APC):c.933+7G>C

Gene: APC (APC regulator of Wnt signaling pathway; plus strand). Cytogenetic location: 5q22.2.
Variant type: single nucleotide variant.
Coding change: c.933+7G>C on transcript NM_000038.6 (MANE Select); 7 bases into the intron after coding-DNA position 933, G replaced by C.
Molecular consequence: intron variant.
Genome position (GRCh38, 1-based): chr5:112,815,600, G>C. VCF-style: chr5-112815600-G-C. GRCh37 (hg19) VCF-style: chr5-112151297-G-C.
Other names: c.933+7G>C (NM_001354895.2, NM_001127510.3, NM_001354896.2 and 1 more transcripts); c.963+7G>C (NM_001354897.2, NM_001354902.2); c.879+7G>C (NM_001127511.3); c.858+7G>C (NM_001354898.2, NM_001354904.2); c.84+7G>C (NM_001354906.2); c.849+7G>C (NM_001354899.2); c.756+7G>C (NM_001354900.2, NM_001354901.2, NM_001354905.2).
Identifiers: ClinVar variation 743873 (VCV000743873.12), dbSNP rs369087912, ClinGen allele CA051257.